The following is an entry in ClinVar:

NM_000516.7(GNAS):c.985G>A (p.Gly329Arg)

Gene: GNAS (GNAS complex locus; plus strand). Cytogenetic location: 20q13.32.
Variant type: single nucleotide variant.
Coding change: c.985G>A on transcript NM_000516.7 (MANE Select); coding-DNA position 985, G replaced by A.
Protein change: p.Gly329Arg; replaces glycine 329 with arginine.
Molecular consequence: missense variant. On other transcripts: 3 prime UTR variant (2).
Genome position (GRCh38, 1-based): chr20:58,910,348, G>A. VCF-style: chr20-58910348-G-A. GRCh37 (hg19) VCF-style: chr20-57485403-G-A.
Other names: c.988G>A, p.Gly330Arg (NM_001077488.5); c.940G>A, p.Gly314Arg (NM_001077489.4); c.*846G>A (NM_001077490.3); c.808G>A, p.Gly270Arg (NM_001309840.2, NM_001309861.2); c.*891G>A (NM_016592.5); c.2914G>A, p.Gly972Arg (NM_080425.4); c.943G>A, p.Gly315Arg (NM_080426.4); c.985G>A (NM_000516.5); short protein forms G270R, G314R, G315R, G329R, G330R, G972R.
Identifiers: ClinVar variation 1215279 (VCV001215279.13), dbSNP rs1394557997, ClinGen allele CA409453548.

ClinVar aggregate classification (germline): Uncertain significance. Review status: criteria provided, multiple submitters, no conflicts (2 of 4 stars). 6 submissions from 6 submitters: Uncertain significance (5). 1 of the submissions does not count toward it. Last evaluated 2025-04-09.

Conditions:
GNAS-related disorder. Identifiers: MedGen CN380105.
McCune-Albright syndrome (MAS). Also called: Albright's disease; ALBRIGHT SYNDROME; Albright's Syndrome; McCune-Albright syndrome, somatic, mosaic; Fibrous Dysplasia / McCune-Albright Syndrome. Identifiers: Orphanet 562, MedGen C0242292, MONDO:0018919, OMIM 174800.
Pituitary adenoma 3, multiple types. Also called: PITUITARY ADENOMA 3, ACTH-SECRETING, SOMATIC; PITUITARY ADENOMA 3, GROWTH HORMONE-SECRETING, SOMATIC. Identifiers: MedGen C4540135, MONDO:0054665, OMIM 617686.
Pseudohypoparathyroidism type 1C (PHP1C). Also called: PHP IC; Pseudohypoparathyroidism Ic (PHP-Ic); PSEUDOHYPOPARATHYROIDISM, TYPE IC. Identifiers: Orphanet 79444, MedGen C2932716, MONDO:0012911, OMIM 612462.
Pseudohypoparathyroidism type 1B (PHP1B). Also called: Pseudohypoparathyroidism Ib (PHP-Ib); PHP IB; Pseudohypoparathyroidism Type IB. Identifiers: Orphanet 94089, MedGen C1864100, MONDO:0011301, OMIM 603233.
Pseudopseudohypoparathyroidism (PPHP). Also called: ALBRIGHT HEREDITARY OSTEODYSTROPHY WITHOUT MULTIPLE HORMONE RESISTANCE; Pseudopseudohypoparathyroidism (PPHP). Identifiers: Orphanet 79445, MedGen C0033835, MONDO:0012912, OMIM 612463.
Progressive osseous heteroplasia (POH). Also called: Progressive Osseus Heteroplasia (POH); Osseus Heteroplasia, Progressive; Osteoma cutis; ECTOPIC OSSIFICATION, FAMILIAL. Identifiers: Orphanet 2762, MedGen C0334041, MONDO:0008153, OMIM 166350, HP:0025027.
ACTH-independent macronodular adrenal hyperplasia 1 (AIMAH1). Also called: CUSHING SYNDROME, ADRENAL, DUE TO AIMAH; ACTH-independent macronodular adrenal hyperplasia, somatic; ACTH-INDEPENDENT MACRONODULAR ADRENOCORTICAL HYPERPLASIA; CORTICOTROPIN-INDEPENDENT MACRONODULAR ADRENAL HYPERPLASIA; ADRENOCORTICOTROPIC HORMONE-INDEPENDENT MACRONODULAR ADRENAL HYPERPLASIA. Identifiers: MedGen C1857451, MONDO:0020735, OMIM 219080.
Pseudohypoparathyroidism type I A (PHP1A). Also called: Pseudohypoparathyroidism Ia (PHP-Ia); Pseudohypoparathyroidism Type IA; PHP IA; ALBRIGHT HEREDITARY OSTEODYSTROPHY WITH MULTIPLE HORMONE RESISTANCE; Pseudohypoparathyroidism type 1A. Identifiers: Orphanet 79443, MedGen C3494506, MONDO:0007078, OMIM 103580.
Albright hereditary osteodystrophy, pseudohypoparathyroidism, pseudopseudohypoparathyroidism, acrodysostosis and osteoma cutis.

Allele frequency attached by ClinVar (database versions not stated): gnomAD exomes below 0.00001; TOPMed below 0.00001.
gnomAD v4.1: 4 of 1,610,942 alleles (0.00025%); highest among the groups gnomAD compares: Non-Finnish European, 0.00034%; no homozygotes.

Submissions (6):

NHS Central & South Genomic Laboratory Hub
Classification: Uncertain significance for Albright hereditary osteodystrophy, pseudohypoparathyroidism, pseudopseudohypoparathyroidism, acrodysostosis and osteoma cutis. Last evaluated: 2025-04-09. Review status: criteria provided, single submitter. Criteria: ACMG Guidelines, 2015. Collection method: clinical testing. Allele origin: germline. Affected: yes.

Blueprint Genetics
Classification: Uncertain significance. Last evaluated: 2023-04-12. Review status: criteria provided, single submitter. Criteria: ACMG Guidelines, 2015. Collection method: clinical testing. Allele origin: germline.

Fulgent Genetics
Classification: Uncertain significance for Pseudohypoparathyroidism type I A; Progressive osseous heteroplasia; McCune-Albright syndrome; ACTH-independent macronodular adrenal hyperplasia 1; Pseudohypoparathyroidism type 1B; Pseudohypoparathyroidism type 1C; Pseudopseudohypoparathyroidism; Pituitary adenoma 3, multiple types. Last evaluated: 2021-12-16. Review status: criteria provided, single submitter. Criteria: ACMG Guidelines, 2015. Collection method: clinical testing. Allele origin: unknown.

Labcorp Genetics (formerly Invitae), Labcorp
Classification: Uncertain significance. Last evaluated: 2021-10-21. Review status: criteria provided, single submitter. Criteria: Invitae Variant Classification Sherloc (09022015). Collection method: clinical testing. Allele origin: germline.
Comment: In summary, the available evidence is currently insufficient to determine the role of this variant in disease. Therefore, it has been classified as a Variant of Uncertain Significance. Algorithms developed to predict the effect of missense changes on protein structure and function are either unavailable or do not agree on the potential impact of this missense change (SIFT: "Tolerated"; PolyPhen-2: "Possibly Damaging"; Align-GVGD: "Class C0"). This variant has not been reported in the literature in individuals affected with GNAS-related conditions. This variant is not present in population databases (ExAC no frequency). This sequence change replaces glycine with arginine at codon 329 of the GNAS protein (p.Gly329Arg). The glycine residue is moderately conserved and there is a moderate physicochemical difference between glycine and arginine.

GeneDx
Classification: Uncertain significance. Last evaluated: 2020-03-30. Review status: criteria provided, single submitter. Criteria: GeneDx Variant Classification Process June 2021. Collection method: clinical testing. Allele origin: germline. Affected: yes.
Comment: In silico analysis, which includes protein predictors and evolutionary conservation, supports a deleterious effect; Not observed in large population cohorts (Lek et al., 2016); Has not been previously published as pathogenic or benign to our knowledge

PreventionGenetics, part of Exact Sciences
Classification: Uncertain significance for GNAS-related condition. Last evaluated: 2024-07-01. Review status: no assertion criteria provided. Collection method: clinical testing. Allele origin: germline. Not counted in ClinVar's aggregate classification.
Comment: The GNAS c.985G>A variant is predicted to result in the amino acid substitution p.Gly329Arg. To our knowledge, this variant has not been reported in the literature or in a large population database, indicating this variant is rare. At this time, the clinical significance of this variant is uncertain due to the absence of conclusive functional and genetic evidence.